The following is an entry in ClinVar:

NM_000310.4(PPT1):c.335T>C (p.Met112Thr)

Gene: PPT1 (palmitoyl-protein thioesterase 1; minus strand). Cytogenetic location: 1p34.2.
Variant type: single nucleotide variant.
Coding change: c.335T>C on transcript NM_000310.4 (MANE Select); coding-DNA position 335, T replaced by C.
Protein change: p.Met112Thr; replaces methionine 112 with threonine.
Molecular consequence: missense variant. On other transcripts: intron variant (1).
Genome position (GRCh38, 1-based): chr1:40,092,072, A>G on the plus strand (T>C on the coding strand, the complement: PPT1 is on the minus strand). VCF-style: chr1-40092072-A-G. GRCh37 (hg19) VCF-style: chr1-40557744-A-G.
Other names: c.335T>C, p.Met112Thr (NM_001363695.2); c.125-2560T>C (NM_001142604.2); short protein forms M112T.
Identifiers: ClinVar variation 2665094 (VCV002665094.2), dbSNP rs2523687692, ClinGen allele CA339849013.
Genomic context (GRCh38, chr1:40,092,072, plus strand): 5'-ATAAGTGGTACAATATAACAAAAAGGAACGTACAGAAATTGGCCTCCCTGGGAGAATCCC[A>G]TAGCATTGTAGCCTTGCTGCAATTTAGGATCCTTAGCAAGTGCCTGACACACTGTTGTTA-3'
Protein context (NP_000301.1, residues 102-122): DPKLQQGYNA[Met112Thr]GFSQGGQFLR

ClinVar aggregate classification (germline): Likely pathogenic (1 of 4 stars; one submission).

Conditions:
Neuronal ceroid lipofuscinosis 1 (CLN1). Also called: CEROID LIPOFUSCINOSIS, NEURONAL, 1, VARIABLE AGE AT ONSET; PPT1-Related Neuronal Ceroid-Lipofuscinosis. Identifiers: Orphanet 228329, MedGen C1850451, MONDO:0009744, OMIM 256730.

Submission:

Human Genome Lab, NIMHANS, National Institute of Mental Health and Neuro Sciences
Classification: Likely pathogenic for Neuronal ceroid lipofuscinosis 1. Last evaluated: 2023-11-15. Review status: criteria provided, single submitter. Criteria: ACMG Guidelines, 2015. Collection method: clinical testing. Allele origin: germline. Inheritance: Autosomal recessive inheritance. Affected: yes. Observed: 1 homozygote.
Comment: The missense variant NM_000310.4:c.335T>C [NP_000301.1:p.Met112Thr] has not been reported previously as a pathogenic variant nor as a benign variant, to our knowledge. The p.Met112Thr variant is novel (not in any individuals) in 1kG All as well as in our inhouse database. The p.Met112Thr variant is novel (not in any individuals) in gnomAD (v.4.0). There is a moderate physicochemical difference between methionine and threonine. 4 variants within 6 amino acid positions of the variant p.Met112Thr have been shown to be pathogenic, while none have been shown to be benign. The p.Met112Thr missense variant is predicted to be damaging by both SIFT and PolyPhen2. The nucleotide c.335 in PPT1 is predicted conserved by GERP++ and PhyloP across 100 vertebrates. In addition, the patient's clinical phenotype matches with that of the disorder caused by pathogenic variants in CLN3 gene. For these reasons, this variant has been classified as Likely Pathogenic (PM2 PM1 PP3 PP4_Moderate).